The following is an entry in ClinVar:

NM_145054.5(CFAP52):c.1304del (p.Gly435fs)

Gene: CFAP52 (cilia and flagella associated protein 52; plus strand). Cytogenetic location: 17p13.1.
Variant type: Deletion.
Coding change: c.1304del on transcript NM_145054.5 (MANE Select); coding-DNA position 1304, one base deleted (G; older notation c.1304delG).
Protein change: p.Gly435fs; shifts the reading frame from glycine 435.
Molecular consequence: frameshift variant.
Genome position (GRCh38, 1-based): chr17:9,633,017, G deleted; the last of 2 consecutive G bases (chr17:9,633,016-9,633,017); deleting either gives the same sequence. VCF-style (leftmost placement, unchanged base first): chr17-9633015-TG-T. GRCh37 (hg19) VCF-style: chr17-9536332-TG-T.
Other names: c.1100del, p.Gly367fs (NM_001080556.2); c.1304delG (NM_145054.4); short protein forms G367fs, G435fs.
Identifiers: ClinVar variation 1285595 (VCV001285595.4), dbSNP rs1360832162, ClinGen allele CA624770168.
Genomic context (GRCh38, chr17:9,633,015, plus strand): 5'-TGCTCACAGGATCGGCGTCACCGCCATCGCCACCACCAGTGACTGTAAAAGGGTCATCAG[TG>T]GCGGTGGGGAAGGGGAGGTATTGAAAGCAGAAATTTGAAAAAATAACGCTCTGTTTAGAA-3'

ClinVar aggregate classification (germline): Conflicting classifications of pathogenicity. Review status: criteria provided, conflicting classifications (1 of 4 stars). 4 submissions from 4 submitters: Likely pathogenic (2); Uncertain significance (1). 1 of the submissions does not count toward it. Last evaluated 2026-07-01.

Conditions:
Heterotaxy, visceral, 10, autosomal, with male infertility. Identifiers: MedGen C5562072, MONDO:0030474, OMIM 619607.
Situs inversus. Also called: Situs inversus totalis. Identifiers: Orphanet 101063, MedGen C4551493, MONDO:0010029, HP:0001696.
Oculomotor apraxia. Identifiers: MedGen C3489733, HP:0000657.

Submissions (4):

CeGaT Center for Human Genetics Tuebingen
Classification: Likely pathogenic. Last evaluated: 2026-07-01. Review status: criteria provided, single submitter. Criteria: CeGaT Center For Human Genetics Tuebingen Variant Classification Criteria Version 2. Collection method: clinical testing. Allele origin: germline. Affected: yes. Observed: 1 variant allele.
Comment: CFAP52: PVS1:Strong, PM2, PM3

Baylor Genetics
Classification: Likely pathogenic for Heterotaxy, visceral, 10, autosomal, with male infertility. Last evaluated: 2022-03-23. Review status: criteria provided, single submitter. Criteria: ACMG Guidelines, 2015. Collection method: clinical testing. Allele origin: unknown.

Institute of Human Genetics, University of Leipzig Medical Center
Classification: Uncertain significance for Situs inversus; Oculomotor apraxia. Last evaluated: 2020-09-25. Review status: criteria provided, single submitter. Criteria: ACMG Guidelines, 2015. Collection method: clinical testing. Allele origin: unknown. Affected: yes.

OMIM
Classification: Pathogenic for HETEROTAXY, VISCERAL, 10, AUTOSOMAL. Last evaluated: 2021-11-05. Review status: no assertion criteria provided. Collection method: literature only. Allele origin: germline. Not counted in ClinVar's aggregate classification.

Literature cited by the submitters: PubMed 33139725 (cited by OMIM).